The following is an entry in ClinVar:

NM_000180.4(GUCY2D):c.2634A>G (p.Gln878=)

Gene: GUCY2D (guanylate cyclase 2D, retinal; plus strand). Cytogenetic location: 17p13.1.
Variant type: single nucleotide variant.
Coding change: c.2634A>G on transcript NM_000180.4 (MANE Select); coding-DNA position 2634, A replaced by G.
Protein change: p.Gln878=; no amino-acid change (glutamine 878 retained).
Molecular consequence: synonymous variant.
Genome position (GRCh38, 1-based): chr17:8,014,916, A>G. VCF-style: chr17-8014916-A-G. GRCh37 (hg19) VCF-style: chr17-7918234-A-G.
Identifiers: ClinVar variation 2945829 (VCV002945829.3), dbSNP rs774229738, ClinGen allele CA8366183.
Genomic context (GRCh38, chr17:8,014,916, plus strand): 5'-TAGGTCTGTGGCTGAGGCCTTGAAGACGGGGACACCAGTGGAGCCCGAGTACTTTGAGCA[A>G]GTGACACTGTACTTTAGTGACATTGTGGGCTTCACCACCATCTCTGCCATGAGTGAGCCC-3'
Protein context (NP_000171.1, residues 868-888): GTPVEPEYFE[Gln878=]VTLYFSDIVG

ClinVar aggregate classification (germline): Uncertain significance (1 of 4 stars; one submission).

Conditions:
Leber congenital amaurosis 1 (LCA1). Also called: Congenital absence of the rods and cones; Leber's congenital tapetoretinal degeneration; Leber's congenital tapetoretinal dysplasia; AMAUROSIS CONGENITA OF LEBER I; RETINAL BLINDNESS, CONGENITAL. Identifiers: Orphanet 65, MedGen C2931258, MONDO:0008764, OMIM 204000.
Cone-rod dystrophy 6 (CORD6). Also called: Cone dystrophy progressive; RETINAL CONE DYSTROPHY 2. Identifiers: Orphanet 1872, MedGen C1866293, MONDO:0011143, OMIM 601777.

Allele frequency attached by ClinVar (database versions not stated): ExAC 0.00001.

Submission:

Labcorp Genetics (formerly Invitae), Labcorp
Classification: Uncertain significance for Leber congenital amaurosis 1; Cone-rod dystrophy 6. Last evaluated: 2023-08-14. Review status: criteria provided, single submitter. Criteria: Invitae Variant Classification Sherloc (09022015). Collection method: clinical testing. Allele origin: germline.
Comment: This sequence change affects codon 878 of the GUCY2D mRNA. It is a 'silent' change, meaning that it does not change the encoded amino acid sequence of the GUCY2D protein. This variant is present in population databases (rs774229738, gnomAD 0.0009%). This variant has not been reported in the literature in individuals affected with GUCY2D-related conditions. Algorithms developed to predict the effect of sequence changes on RNA splicing suggest that this variant may create or strengthen a splice site. In summary, the available evidence is currently insufficient to determine the role of this variant in disease. Therefore, it has been classified as a Variant of Uncertain Significance.